The following is an entry in ClinVar:

ClinVar aggregate classification (germline): Likely benign. Review status: criteria provided, multiple submitters, no conflicts (2 of 4 stars). 3 submissions from 3 submitters: Likely benign (2). 1 of the submissions does not count toward it. Last evaluated 2026-01-20.

Conditions:
DICER1-related disorder. Also called: DICER1-related condition.
Hereditary cancer-predisposing syndrome. Also called: Neoplastic Syndromes, Hereditary; Hereditary neoplastic syndrome; Tumor predisposition; Hereditary Cancer Syndrome. Identifiers: Orphanet 140162, MedGen C0027672, MeSH D009386, MONDO:0015356.
DICER1-related tumor predisposition. Also called: DICER1-related pleuropulmonary blastoma cancer predisposition syndrome; DICER1 syndrome. Identifiers: Orphanet 284343, MedGen C3839822, MONDO:0100216.

Allele frequency attached by ClinVar (database versions not stated): gnomAD exomes below 0.00001; TOPMed 0.00001; gnomAD 0.00003.

Submissions (3):

Labcorp Genetics (formerly Invitae), Labcorp
Classification: Likely benign for DICER1-related tumor predisposition. Last evaluated: 2026-01-20. Review status: criteria provided, single submitter. Criteria: Invitae Variant Classification Sherloc (09022015). Collection method: clinical testing. Allele origin: germline.

Ambry Genetics
Classification: Likely benign for Hereditary cancer-predisposing syndrome. Last evaluated: 2019-03-30. Review status: criteria provided, single submitter. Criteria: Ambry Variant Classification Scheme 2023. Collection method: clinical testing. Allele origin: germline.

PreventionGenetics, part of Exact Sciences
Classification: Likely benign for DICER1-related condition. Last evaluated: 2024-08-07. Review status: no assertion criteria provided. Collection method: clinical testing. Allele origin: germline. Not counted in ClinVar's aggregate classification.
Comment: This variant is classified as likely benign based on ACMG/AMP sequence variant interpretation guidelines (Richards et al. 2015 PMID: 25741868, with internal and published modifications).

NM_177438.3(DICER1):c.1287G>A (p.Lys429=)

Gene: DICER1 (dicer 1, ribonuclease III; minus strand). Cytogenetic location: 14q32.13.
Variant type: single nucleotide variant.
Coding change: c.1287G>A on transcript NM_177438.3 (MANE Select); coding-DNA position 1287, G replaced by A.
Protein change: p.Lys429=; no amino-acid change (lysine 429 retained).
Molecular consequence: synonymous variant.
Genome position (GRCh38, 1-based): chr14:95,124,285, C>T on the plus strand (G>A on the coding strand, the complement: DICER1 is on the minus strand). VCF-style: chr14-95124285-C-T. GRCh37 (hg19) VCF-style: chr14-95590622-C-T.
Other names: c.1287G>A, p.Lys429= (NM_001195573.1, NM_001271282.3, NM_001291628.2 and 1 more transcripts).
Identifiers: ClinVar variation 793260 (VCV000793260.17), dbSNP rs1261579476, ClinGen allele CA487845154.